The following is an entry in ClinVar:

NM_152564.5(VPS13B):c.2845A>G (p.Ile949Val)

Gene: VPS13B (vacuolar protein sorting 13 homolog B; plus strand). Cytogenetic location: 8q22.2.
Variant type: single nucleotide variant.
Coding change: c.2845A>G on transcript NM_152564.5 (MANE Select); coding-DNA position 2845, A replaced by G.
Protein change: p.Ile949Val; replaces isoleucine 949 with valine.
Molecular consequence: missense variant.
Genome position (GRCh38, 1-based): chr8:99,384,228, A>G. VCF-style: chr8-99384228-A-G. GRCh37 (hg19) VCF-style: chr8-100396456-A-G.
Other names: c.2845A>G, p.Ile949Val (NM_017890.5); short protein forms I949V.
Identifiers: ClinVar variation 1380235 (VCV001380235.4), dbSNP rs758076178, ClinGen allele CA4823067.
Genomic context (GRCh38, chr8:99,384,228, plus strand): 5'-ATGAGGACTTATGTAACAGTTTAAAAATCTTGTCTTTTAGGTGCTGTACTTCTTTGCAGT[A>G]TACAAGGACTAGCAGTTAATATTGACCCAATCTTATATACGTGGCTCATCTATCAGCCTC-3'
Protein context (NP_689777.3, residues 939-959): HNSGAVLLCS[Ile949Val]QGLAVNIDPI

ClinVar aggregate classification (germline): Uncertain significance (1 of 4 stars; one submission).

Conditions:
Cohen syndrome (COH1). Also called: Cutis verticis gyrata, retinitis pigmentosa, and sensorineural deafness; PEPPER SYNDROME. Identifiers: Orphanet 193, MedGen C0265223, MONDO:0008999, OMIM 216550.

gnomAD v4.1: 8 of 1,613,966 alleles (0.0005%); highest among the groups gnomAD compares: Non-Finnish European, 0.00042%; no homozygotes.

Submission:

Labcorp Genetics (formerly Invitae), Labcorp
Classification: Uncertain significance for Cohen syndrome. Last evaluated: 2025-03-17. Review status: criteria provided, single submitter. Criteria: Invitae Variant Classification Sherloc (09022015). Collection method: clinical testing. Allele origin: germline.
Comment: This sequence change replaces isoleucine with valine at codon 949 of the VPS13B protein (p.Ile949Val). The isoleucine residue is weakly conserved and there is a small physicochemical difference between isoleucine and valine. This variant is present in population databases (rs758076178, gnomAD 0.003%). This variant has not been reported in the literature in individuals affected with VPS13B-related conditions. ClinVar contains an entry for this variant (Variation ID: 1380235). Invitae Evidence Modeling of protein sequence and biophysical properties (such as structural, functional, and spatial information, amino acid conservation, physicochemical variation, residue mobility, and thermodynamic stability) indicates that this missense variant is not expected to disrupt VPS13B protein function with a negative predictive value of 80%. In summary, the available evidence is currently insufficient to determine the role of this variant in disease. Therefore, it has been classified as a Variant of Uncertain Significance.